The following is an entry in ClinVar:

ClinVar aggregate classification (germline): Uncertain significance (1 of 4 stars; one submission).

Conditions:
Cardiovascular phenotype. Identifiers: MedGen CN230736.

Submission:

Ambry Genetics
Classification: Uncertain significance for Cardiovascular phenotype. Last evaluated: 2024-03-27. Review status: criteria provided, single submitter. Criteria: Ambry Variant Classification Scheme 2023. Collection method: clinical testing. Allele origin: germline.
Comment: The p.G186D variant (also known as c.557G>A), located in coding exon 5 of the ABCG5 gene, results from a G to A substitution at nucleotide position 557. The glycine at codon 186 is replaced by aspartic acid, an amino acid with similar properties. This amino acid position is conserved. In addition, this alteration is predicted to be deleterious by in silico analysis. Based on the available evidence, the clinical significance of this alteration remains unclear.

NM_022436.3(ABCG5):c.557G>A (p.Gly186Asp)

Genes: ABCG5 (ATP binding cassette subfamily G member 5; minus strand), DYNC2LI1 (dynein cytoplasmic 2 light intermediate chain 1; plus strand). Cytogenetic location: 2p21.
Variant type: single nucleotide variant.
Coding change: c.557G>A on transcript NM_022436.3 (MANE Select); coding-DNA position 557, G replaced by A.
Protein change: p.Gly186Asp; replaces glycine 186 with aspartic acid.
Molecular consequence: missense variant. On other transcripts: 3 prime UTR variant (2).
Genome position (GRCh38, 1-based): chr2:43,828,060, C>T on the plus strand (G>A on the coding strand, the complement: ABCG5 is on the minus strand). VCF-style: chr2-43828060-C-T. GRCh37 (hg19) VCF-style: chr2-44055199-C-T.
Other names: c.*690C>T (NM_001348912.2, NM_001348913.2); short protein forms G186D.
Identifiers: ClinVar variation 3309505 (VCV003309505.1).
Genomic context (GRCh38, chr2:43,828,060, plus strand): 5'-TGGGCTGCGATGGAGACCCGGCGCCGCTCACCCGTGGAAATGCCCCCCAAGCTGTAGTTG[C>T]CAATCAGTCGGTCTGCCACATGGCTCAGACTCAGCTCTGCCATGACGGCCTCCACCTGCA-3'
Protein context (NP_071881.1, residues 176-196): SLSHVADRLI[Gly186Asp]NYSLGGISTG